The following is an entry in ClinVar:

ClinVar aggregate classification (germline): Uncertain significance. Review status: criteria provided, multiple submitters, no conflicts (2 of 4 stars). 2 submissions from 2 submitters: Uncertain significance (2). Last evaluated 2025-05-19.

Conditions:
Hereditary spastic paraplegia 74. Also called: Spastic paraplegia 74, autosomal recessive. Identifiers: Orphanet 468661, MedGen C5568837, MONDO:0014644, OMIM 616451.
Multiple mitochondrial dysfunctions syndrome 3 (MMDS3). Identifiers: Orphanet 363424, MedGen C3809165, MONDO:0014132, OMIM 615330.
Inborn genetic diseases. Identifiers: MedGen C0950123, MeSH D030342.

Allele frequency attached by ClinVar (database versions not stated): gnomAD exomes below 0.00001 and 0.00001; ExAC 0.00001; TOPMed 0.00001.
gnomAD v4.1: 20 of 1,612,986 alleles (0.0012%); highest among the groups gnomAD compares: South Asian, 0.0022%; no homozygotes.

Submissions (2):

Ambry Genetics
Classification: Uncertain significance for Inborn genetic diseases. Last evaluated: 2025-05-19. Review status: criteria provided, single submitter. Criteria: Ambry Variant Classification Scheme 2023. Collection method: clinical testing. Allele origin: germline.

Labcorp Genetics (formerly Invitae), Labcorp
Classification: Uncertain significance for Multiple mitochondrial dysfunctions syndrome 3; Hereditary spastic paraplegia 74. Last evaluated: 2019-08-24. Review status: criteria provided, single submitter. Criteria: Invitae Variant Classification Sherloc (09022015). Collection method: clinical testing. Allele origin: germline.
Comment: In summary, the available evidence is currently insufficient to determine the role of this variant in disease. Therefore, it has been classified as a Variant of Uncertain Significance. Algorithms developed to predict the effect of missense changes on protein structure and function (SIFT, PolyPhen-2, Align-GVGD) all suggest that this variant is likely to be tolerated, but these predictions have not been confirmed by published functional studies and their clinical significance is uncertain. This variant has not been reported in the literature in individuals with IBA57-related conditions. This variant is present in population databases (rs375395876, ExAC 0.002%). This sequence change replaces threonine with methionine at codon 298 of the IBA57 protein (p.Thr298Met). The threonine residue is weakly conserved and there is a moderate physicochemical difference between threonine and methionine.

NM_001010867.4(IBA57):c.893C>T (p.Thr298Met)

Gene: IBA57 (iron-sulfur cluster assembly factor IBA57; plus strand). Cytogenetic location: 1q42.13.
Variant type: single nucleotide variant.
Coding change: c.893C>T on transcript NM_001010867.4 (MANE Select); coding-DNA position 893, C replaced by T.
Protein change: p.Thr298Met; replaces threonine 298 with methionine.
Molecular consequence: missense variant.
Genome position (GRCh38, 1-based): chr1:228,175,335, C>T. VCF-style: chr1-228175335-C-T. GRCh37 (hg19) VCF-style: chr1-228363036-C-T.
Other names: c.893C>T (NM_001010867.2); c.314C>T, p.Thr105Met (NM_001310327.2); short protein forms T298M, T105M.
Identifiers: ClinVar variation 937315 (VCV000937315.10), dbSNP rs375395876, ClinGen allele CA1431285.
Genomic context (GRCh38, chr1:228,175,335, plus strand): 5'-GCCTCTTCCCTGTCCGGTTCTTGGACCCCCTTCCCACCAGTGGCATCACCCCTGGTGCCA[C>T]GGTGCTGACTGCCTCAGGACAGACTGTGGGCAAGTTCAGGGCTGGCCAGGGCAACGTGGG-3'
Protein context (NP_001010867.1, residues 288-308): LPTSGITPGA[Thr298Met]VLTASGQTVG